The following is an entry in ClinVar:

NM_001429.4(EP300):c.383A>T (p.Gln128Leu)

Gene: EP300 (EP300 lysine acetyltransferase; plus strand). Cytogenetic location: 22q13.2.
Variant type: single nucleotide variant.
Coding change: c.383A>T on transcript NM_001429.4 (MANE Select); coding-DNA position 383, A replaced by T.
Protein change: p.Gln128Leu; replaces glutamine 128 with leucine.
Molecular consequence: missense variant.
Genome position (GRCh38, 1-based): chr22:41,117,475, A>T. VCF-style: chr22-41117475-A-T. GRCh37 (hg19) VCF-style: chr22-41513479-A-T.
Other names: c.383A>T, p.Gln128Leu (NM_001362843.2); short protein forms Q128L.
Identifiers: ClinVar variation 2637083 (VCV002637083.4), dbSNP rs149380994, ClinGen allele CA10252235.

ClinVar aggregate classification (germline): Conflicting classifications of pathogenicity. Review status: criteria provided, conflicting classifications (1 of 4 stars). 2 submissions from 2 submitters: Uncertain significance (1); Benign (1). Last evaluated 2024-01-21.

Conditions:
EP300-related disorder. Also called: EP300-related condition; EP300-related disorders.
Rubinstein-Taybi syndrome due to EP300 haploinsufficiency. Also called: EP300-Related Rubinstein-Taybi Syndrome; RUBINSTEIN-TAYBI SYNDROME 2. Identifiers: Orphanet 353284, Orphanet 783, MedGen C3150941, MONDO:0013364, OMIM 613684.

Allele frequency attached by ClinVar (database versions not stated): gnomAD exomes below 0.00001; ExAC 0.00002; gnomAD 0.00002; TOPMed 0.00002.
gnomAD v4.1: 5 of 1,613,658 alleles (0.00031%); highest among the groups gnomAD compares: African/African-American, 0.0067%; no homozygotes.

Submissions (2):

Labcorp Genetics (formerly Invitae), Labcorp
Classification: Benign for Rubinstein-Taybi syndrome due to EP300 haploinsufficiency. Last evaluated: 2024-01-21. Review status: criteria provided, single submitter. Criteria: Invitae Variant Classification Sherloc (09022015). Collection method: clinical testing. Allele origin: germline.

PreventionGenetics, part of Exact Sciences
Classification: Uncertain significance for EP300-related condition. Last evaluated: 2023-08-11. Review status: criteria provided, single submitter. Criteria: ACMG Guidelines, 2015. Collection method: clinical testing. Allele origin: germline.
Comment: The EP300 c.383A>T variant is predicted to result in the amino acid substitution p.Gln128Leu. To our knowledge, this variant has not been reported in the literature. This variant is reported in 0.018% of alleles in individuals of African descent in gnomAD. Although we suspect that this variant may be benign, at this time, the clinical significance of this variant is uncertain due to the absence of conclusive functional and genetic evidence.